The following is an entry in ClinVar:

ClinVar aggregate classification (germline): Benign (1 of 4 stars; one submission).

Conditions:
Neuropathy, hereditary sensory and autonomic, type 1C. Also called: HSAN IC; HSN IC. Identifiers: Orphanet 36386, MedGen C3150896, MONDO:0013337, OMIM 613640.

Allele frequency attached by ClinVar (database versions not stated): gnomAD 0.00004 and 0.00011; gnomAD exomes 0.00008 and 0.00015; TOPMed 0.00008; ExAC 0.00017; 1000 Genomes Project 30x 0.00031.

Submission:

Illumina Laboratory Services, Illumina
Classification: Benign for Neuropathy, hereditary sensory and autonomic, type 1C. Last evaluated: 2018-01-13. Review status: criteria provided, single submitter. Criteria: ICSL Variant Classification Criteria 13 December 2019. Collection method: clinical testing. Allele origin: germline.
Comment: This variant was observed in the ICSL laboratory as part of a predisposition screen in an ostensibly healthy population. It had not been previously curated by ICSL or reported in the Human Gene Mutation Database (HGMD: prior to June 1st, 2018), and was therefore a candidate for classification through an automated scoring system. Utilizing variant allele frequency, disease prevalence and penetrance estimates, and inheritance mode, an automated score was calculated to assess if this variant is too frequent to cause the disease. Based on the score and internal cut-off values, a variant classified as benign is not then subjected to further curation. The score for this variant resulted in a classification of benign for this disease.

NM_004863.4(SPTLC2):c.-42A>G

Gene: SPTLC2 (serine palmitoyltransferase long chain base subunit 2; minus strand). Cytogenetic location: 14q24.3.
Variant type: single nucleotide variant.
Coding change: c.-42A>G on transcript NM_004863.4 (MANE Select); 42 bases upstream of the start codon, A replaced by G.
Molecular consequence: 5 prime UTR variant.
Genome position (GRCh38, 1-based): chr14:77,616,621, T>C on the plus strand (A>G on the coding strand, the complement: SPTLC2 is on the minus strand). VCF-style: chr14-77616621-T-C. GRCh37 (hg19) VCF-style: chr14-78082964-T-C.
Identifiers: ClinVar variation 314684 (VCV000314684.5), dbSNP rs751107431, ClinGen allele CA7289540.